The following is an entry in ClinVar:

ClinVar aggregate classification (germline): Uncertain significance. Review status: criteria provided, multiple submitters, no conflicts (2 of 4 stars). 2 submissions from 2 submitters: Uncertain significance (2). Last evaluated 2025-12-06.

Conditions:
Idiopathic generalized epilepsy. Also called: Generalised epilepsy; EIG. Identifiers: MedGen C0270850, MONDO:0005579, OMIM 600669.

Allele frequency attached by ClinVar (database versions not stated): ExAC 0.00025; gnomAD 0.00010; ESP Exome Variant Server 0.00023; TOPMed 0.00032; gnomAD exomes 0.00024.
gnomAD v4.1: 614 of 1,613,298 alleles (0.038%); highest among the groups gnomAD compares: Non-Finnish European, 0.049%; 1 homozygote.

Submissions (2):

Labcorp Genetics (formerly Invitae), Labcorp
Classification: Uncertain significance for Idiopathic generalized epilepsy. Last evaluated: 2025-12-06. Review status: criteria provided, single submitter. Criteria: Invitae Variant Classification Sherloc (09022015). Collection method: clinical testing. Allele origin: germline.
Comment: This sequence change replaces proline, which is neutral and non-polar, with alanine, which is neutral and non-polar, at codon 38 of the RBFOX1 protein (p.Pro38Ala). This variant is present in population databases (rs149974858, gnomAD 0.05%), and has an allele count higher than expected for a pathogenic variant. This variant has not been reported in the literature in individuals affected with RBFOX1-related conditions. ClinVar contains an entry for this variant (Variation ID: 529519). Invitae Evidence Modeling of protein sequence and biophysical properties (such as structural, functional, and spatial information, amino acid conservation, physicochemical variation, residue mobility, and thermodynamic stability) indicates that this missense variant is not expected to disrupt RBFOX1 protein function with a negative predictive value of 80%. In summary, the available evidence is currently insufficient to determine the role of this variant in disease. Therefore, it has been classified as a Variant of Uncertain Significance.

Fulgent Genetics
Classification: Uncertain significance for Idiopathic generalized epilepsy. Last evaluated: 2018-10-31. Review status: criteria provided, single submitter. Criteria: ACMG Guidelines, 2015. Collection method: clinical testing. Allele origin: unknown.

NM_018723.4(RBFOX1):c.52C>G (p.Pro18Ala)

Gene: RBFOX1 (RNA binding fox-1 homolog 1; plus strand). Cytogenetic location: 16p13.3.
Variant type: single nucleotide variant.
Coding change: c.52C>G on transcript NM_018723.4 (MANE Select); coding-DNA position 52, C replaced by G.
Protein change: p.Pro18Ala; replaces proline 18 with alanine.
Molecular consequence: missense variant.
Genome position (GRCh38, 1-based): chr16:7,518,171, C>G. VCF-style: chr16-7518171-C-G. GRCh37 (hg19) VCF-style: chr16-7568173-C-G.
Other names: c.52C>G, p.Pro18Ala (NM_001142333.2, NM_001142334.2, NM_001364800.2); c.181C>G, p.Pro61Ala (NM_001308117.1); c.112C>G, p.Pro38Ala (NM_145891.3, NM_145892.3, NM_145893.3); short protein forms P18A, P38A, P61A.
Identifiers: ClinVar variation 529519 (VCV000529519.10), dbSNP rs149974858, ClinGen allele CA7891299.